The following is an entry in ClinVar:

NM_013275.6(ANKRD11):c.3437C>T (p.Thr1146Met)

Gene: ANKRD11 (ankyrin repeat domain 11; minus strand). Cytogenetic location: 16q24.3.
Variant type: single nucleotide variant.
Coding change: c.3437C>T on transcript NM_013275.6 (MANE Select); coding-DNA position 3437, C replaced by T.
Protein change: p.Thr1146Met; replaces threonine 1146 with methionine.
Molecular consequence: missense variant.
Genome position (GRCh38, 1-based): chr16:89,283,105, G>A on the plus strand (C>T on the coding strand, the complement: ANKRD11 is on the minus strand). VCF-style: chr16-89283105-G-A. GRCh37 (hg19) VCF-style: chr16-89349513-G-A.
Other names: c.3437C>T, p.Thr1146Met (NM_001256182.2, NM_001256183.2); short protein forms T1146M.
Identifiers: ClinVar variation 589752 (VCV000589752.38), dbSNP rs150325340, ClinGen allele CA8242361.

ClinVar aggregate classification (germline): Benign/Likely benign. Review status: criteria provided, multiple submitters, no conflicts (2 of 4 stars). 6 submissions from 6 submitters: Benign (1); Likely benign (4). 1 of the submissions does not count toward it. Last evaluated 2025-06-04.

Conditions:
Inborn genetic diseases. Identifiers: MedGen C0950123, MeSH D030342.
Intellectual disability. Also called: Intellectual functioning disability; intellectual disabilities; Intellectual developmental disorder. Identifiers: MedGen C3714756, MeSH D008607, MONDO:0001071, HP:0001249.
KBG syndrome (KBGS). Also called: ANKRD11-Related KBG Syndrome. Identifiers: Orphanet 2332, MedGen C0220687, MONDO:0007846, OMIM 148050.

Allele frequency attached by ClinVar (database versions not stated): ExAC 0.00017; gnomAD exomes 0.00021 and 0.00023; TOPMed 0.00022; gnomAD 0.00024 and 0.00025; ESP Exome Variant Server 0.00031; 1000 Genomes Project 30x 0.00047; 1000 Genomes Project 0.00060.
gnomAD v4.1: 371 of 1,613,864 alleles (0.023%); highest among the groups gnomAD compares: Admixed American, 0.037%; no homozygotes.

Submissions (6):

Labcorp Genetics (formerly Invitae), Labcorp
Classification: Likely benign for KBG syndrome. Last evaluated: 2025-06-04. Review status: criteria provided, single submitter. Criteria: Invitae Variant Classification Sherloc (09022015). Collection method: clinical testing. Allele origin: germline.

Blueprint Genetics
Classification: Likely benign. Last evaluated: 2024-10-24. Review status: criteria provided, single submitter. Criteria: ACMG Guidelines, 2015. Collection method: clinical testing. Allele origin: germline.

CeGaT Center for Human Genetics Tuebingen
Classification: Likely benign. Last evaluated: 2024-01-01. Review status: criteria provided, single submitter. Criteria: CeGaT Center For Human Genetics Tuebingen Variant Classification Criteria Version 2. Collection method: clinical testing. Allele origin: germline. Affected: yes. Observed: 3 variant alleles.
Comment: ANKRD11: BP4

Ambry Genetics
Classification: Benign for Inborn genetic diseases. Last evaluated: 2022-01-28. Review status: criteria provided, single submitter. Criteria: Ambry Variant Classification Scheme 2023. Collection method: clinical testing. Allele origin: germline.

GeneDx
Classification: Likely benign. Last evaluated: 2021-05-06. Review status: criteria provided, single submitter. Criteria: GeneDx Variant Classification Process June 2021. Collection method: clinical testing. Allele origin: germline. Affected: yes.
Comment: This variant is associated with the following publications: (PMID: 25665006)

Centre de Biologie Pathologie Génétique, Centre Hospitalier Universitaire de Lille
Classification: Likely benign for Intellectual disability. Last evaluated: 2019-01-01. Review status: no assertion criteria provided. Collection method: clinical testing. Allele origin: inherited. Affected: yes. Not counted in ClinVar's aggregate classification.